The following is an entry in ClinVar:

ClinVar aggregate classification (germline): Uncertain significance (1 of 4 stars; one submission).

Conditions:
Arrhythmogenic right ventricular dysplasia 12. Also called: ARRHYTHMOGENIC RIGHT VENTRICULAR DYSPLASIA, FAMILIAL, 12. Identifiers: MedGen C1969081, MONDO:0012684, OMIM 611528.
Naxos disease (NXD). Also called: PALMOPLANTAR KERATODERMA WITH ARRHYTHMOGENIC RIGHT VENTRICULAR CARDIOMYOPATHY AND WOOLLY HAIR; WOOLLY HAIR, PALMOPLANTAR KERATODERMA, AND CARDIAC ABNORMALITIES; CARDIOMYOPATHY, ARRHYTHMOGENIC RIGHT VENTRICULAR, WITH SKIN, HAIR, AND NAIL ABNORMALITIES; KERATOSIS PALMOPLANTARIS WITH ARRHYTHMOGENIC CARDIOMYOPATHY; MAL DE NAXOS. Identifiers: Orphanet 34217, MedGen C1832600, MONDO:0011017, OMIM 601214.

Submission:

Labcorp Genetics (formerly Invitae), Labcorp
Classification: Uncertain significance for Arrhythmogenic right ventricular dysplasia 12; Naxos disease. Last evaluated: 2024-02-02. Review status: criteria provided, single submitter. Criteria: Invitae Variant Classification Sherloc (09022015). Collection method: clinical testing. Allele origin: germline.
Comment: This sequence change replaces proline, which is neutral and non-polar, with histidine, which is basic and polar, at codon 275 of the JUP protein (p.Pro275His). This variant is not present in population databases (gnomAD no frequency). This variant has not been reported in the literature in individuals affected with JUP-related conditions. An algorithm developed to predict the effect of missense changes on protein structure and function (PolyPhen-2) suggests that this variant is likely to be disruptive. In summary, the available evidence is currently insufficient to determine the role of this variant in disease. Therefore, it has been classified as a Variant of Uncertain Significance.

NM_002230.4(JUP):c.824C>A (p.Pro275His)

Gene: JUP (junction plakoglobin; minus strand). Cytogenetic location: 17q21.2.
Variant type: single nucleotide variant.
Coding change: c.824C>A on transcript NM_002230.4 (MANE Select); coding-DNA position 824, C replaced by A.
Protein change: p.Pro275His; replaces proline 275 with histidine.
Molecular consequence: missense variant.
Genome position (GRCh38, 1-based): chr17:41,767,464, G>T on the plus strand (C>A on the coding strand, the complement: JUP is on the minus strand). VCF-style: chr17-41767464-G-T. GRCh37 (hg19) VCF-style: chr17-39923716-G-T.
Other names: c.824C>A, p.Pro275His (NM_001352773.2, NM_001352774.2, NM_001352775.2 and 3 more transcripts); short protein forms P275H.
Identifiers: ClinVar variation 3764028 (VCV003764028.2).